The following is an entry in ClinVar:

ClinVar aggregate classification (germline): Uncertain significance (1 of 4 stars; one submission).

Submission:

Labcorp Genetics (formerly Invitae), Labcorp
Classification: Uncertain significance. Last evaluated: 2023-04-07. Review status: criteria provided, single submitter. Criteria: Invitae Variant Classification Sherloc (09022015). Collection method: clinical testing. Allele origin: germline.
Comment: In summary, the available evidence is currently insufficient to determine the role of this variant in disease. Therefore, it has been classified as a Variant of Uncertain Significance. This sequence change replaces arginine, which is basic and polar, with glycine, which is neutral and non-polar, at codon 1289 of the NLRP1 protein (p.Arg1289Gly). This variant is not present in population databases (gnomAD no frequency). This variant has not been reported in the literature in individuals affected with NLRP1-related conditions. An algorithm developed to predict the effect of missense changes on protein structure and function (PolyPhen-2) suggests that this variant is likely to be disruptive.

NM_033004.4(NLRP1):c.3865C>G (p.Arg1289Gly)

Gene: NLRP1 (NLR family pyrin domain containing 1; minus strand). Cytogenetic location: 17p13.2.
Variant type: single nucleotide variant.
Coding change: c.3865C>G on transcript NM_033004.4 (MANE Select); coding-DNA position 3865, C replaced by G.
Protein change: p.Arg1289Gly; replaces arginine 1289 with glycine.
Molecular consequence: missense variant. On other transcripts: intron variant (2).
Genome position (GRCh38, 1-based): chr17:5,520,931, G>C on the plus strand (C>G on the coding strand, the complement: NLRP1 is on the minus strand). VCF-style: chr17-5520931-G-C. GRCh37 (hg19) VCF-style: chr17-5424251-G-C.
Other names: c.3877C>G, p.Arg1293Gly (NM_001033053.3); c.3775C>G, p.Arg1259Gly (NM_033006.4); c.3693+593C>G (NM_033007.4); c.3783+593C>G (NM_014922.5); short protein forms R1293G, R1259G, R1289G.
Identifiers: ClinVar variation 2853477 (VCV002853477.3), dbSNP rs757725753, ClinGen allele CA397388753.